The following is an entry in ClinVar:

NM_001330691.3(CEP78):c.799G>A (p.Gly267Ser)

Gene: CEP78 (centrosomal protein 78; plus strand). Cytogenetic location: 9q21.2.
Variant type: single nucleotide variant.
Coding change: c.799G>A on transcript NM_001330691.3 (MANE Select); coding-DNA position 799, G replaced by A.
Protein change: p.Gly267Ser; replaces glycine 267 with serine.
Molecular consequence: missense variant.
Genome position (GRCh38, 1-based): chr9:78,246,689, G>A. VCF-style: chr9-78246689-G-A. GRCh37 (hg19) VCF-style: chr9-80861605-G-A.
Other names: c.799G>A, p.Gly267Ser (NM_001098802.3, NM_001330693.3, NM_001330694.2 and 4 more transcripts); c.799G>A (NM_001098802.1); short protein forms G267S.
Identifiers: ClinVar variation 1009763 (VCV001009763.8), dbSNP rs752714111, ClinGen allele CA5095031.

ClinVar aggregate classification (germline): Uncertain significance. Review status: criteria provided, multiple submitters, no conflicts (2 of 4 stars). 2 submissions from 2 submitters: Uncertain significance (2). Last evaluated 2025-11-08.

Conditions:
Inborn genetic diseases. Identifiers: MedGen C0950123, MeSH D030342.

Allele frequency attached by ClinVar (database versions not stated): gnomAD 0.00001; gnomAD exomes 0.00004 and 0.00002; TOPMed 0.00001; ExAC 0.00001.

Submissions (2):

Ambry Genetics
Classification: Uncertain significance for Inborn genetic diseases. Last evaluated: 2025-11-08. Review status: criteria provided, single submitter. Criteria: Ambry Variant Classification Scheme 2023. Collection method: clinical testing. Allele origin: germline.

Labcorp Genetics (formerly Invitae), Labcorp
Classification: Uncertain significance. Last evaluated: 2024-12-02. Review status: criteria provided, single submitter. Criteria: Invitae Variant Classification Sherloc (09022015). Collection method: clinical testing. Allele origin: germline.
Comment: This sequence change replaces glycine, which is neutral and non-polar, with serine, which is neutral and polar, at codon 267 of the CEP78 protein (p.Gly267Ser). This variant is present in population databases (rs752714111, gnomAD 0.02%), including at least one homozygous and/or hemizygous individual. This variant has not been reported in the literature in individuals affected with CEP78-related conditions. ClinVar contains an entry for this variant (Variation ID: 1009763). Invitae Evidence Modeling of protein sequence and biophysical properties (such as structural, functional, and spatial information, amino acid conservation, physicochemical variation, residue mobility, and thermodynamic stability) has been performed for this missense variant. However, the output from this modeling did not meet the statistical confidence thresholds required to predict the impact of this variant on CEP78 protein function. In summary, the available evidence is currently insufficient to determine the role of this variant in disease. Therefore, it has been classified as a Variant of Uncertain Significance.